The following is an entry in ClinVar:

NM_000222.3(KIT):c.796G>C (p.Asp266His)

Gene: KIT (KIT proto-oncogene, receptor tyrosine kinase; plus strand). Cytogenetic location: 4q12.
Variant type: single nucleotide variant.
Coding change: c.796G>C on transcript NM_000222.3 (MANE Select); coding-DNA position 796, G replaced by C.
Protein change: p.Asp266His; replaces aspartic acid 266 with histidine.
Molecular consequence: missense variant.
Genome position (GRCh38, 1-based): chr4:54,703,763, G>C. VCF-style: chr4-54703763-G-C. GRCh37 (hg19) VCF-style: chr4-55569929-G-C.
Other names: c.796G>C, p.Asp266His (NM_001093772.2, NM_001385285.1, NM_001385286.1); c.799G>C, p.Asp267His (NM_001385284.1, NM_001385288.1, NM_001385290.1 and 1 more transcripts); short protein forms D267H, D266H.
Identifiers: ClinVar variation 2562595 (VCV002562595.5), dbSNP rs1720603341, ClinGen allele CA356899443.

ClinVar aggregate classification (germline): Uncertain significance. Review status: criteria provided, multiple submitters, no conflicts (2 of 4 stars). 2 submissions from 2 submitters: Uncertain significance (2). Last evaluated 2025-03-17.

Conditions:
Hereditary cancer-predisposing syndrome. Also called: Hereditary Cancer Syndrome; Hereditary neoplastic syndrome; Neoplastic Syndromes, Hereditary; Tumor predisposition. Identifiers: Orphanet 140162, MedGen C0027672, MeSH D009386, MONDO:0015356.
Gastrointestinal stromal tumor. Also called: Gastrointestinal stromal tumor, somatic; Gastrointestinal stroma tumor. Identifiers: Orphanet 44890, MedGen C0238198, MeSH D046152, MONDO:0011719, OMIM 606764, HP:0100723.

Submissions (2):

Labcorp Genetics (formerly Invitae), Labcorp
Classification: Uncertain significance for Gastrointestinal stromal tumor. Last evaluated: 2025-03-17. Review status: criteria provided, single submitter. Criteria: Invitae Variant Classification Sherloc (09022015). Collection method: clinical testing. Allele origin: germline.
Comment: This sequence change replaces aspartic acid, which is acidic and polar, with histidine, which is basic and polar, at codon 266 of the KIT protein (p.Asp266His). This variant is not present in population databases (gnomAD no frequency). This variant has not been reported in the literature in individuals affected with KIT-related conditions. ClinVar contains an entry for this variant (Variation ID: 2562595). An algorithm developed to predict the effect of missense changes on protein structure and function (PolyPhen-2) suggests that this variant is likely to be disruptive. In summary, the available evidence is currently insufficient to determine the role of this variant in disease. Therefore, it has been classified as a Variant of Uncertain Significance.

Ambry Genetics
Classification: Uncertain significance for Hereditary cancer-predisposing syndrome. Last evaluated: 2023-05-23. Review status: criteria provided, single submitter. Criteria: Ambry Variant Classification Scheme 2023. Collection method: clinical testing. Allele origin: germline.
Comment: The p.D266H variant (also known as c.796G>C), located in coding exon 5 of the KIT gene, results from a G to C substitution at nucleotide position 796. The aspartic acid at codon 266 is replaced by histidine, an amino acid with similar properties. This amino acid position is conserved. In addition, the in silico prediction for this alteration is inconclusive. Since supporting evidence is limited at this time, the clinical significance of this alteration remains unclear.